The following is an entry in ClinVar:

ClinVar aggregate classification (germline): Uncertain significance (1 of 4 stars; one submission).

Conditions:
Cardiovascular phenotype. Identifiers: MedGen CN230736.

gnomAD v4.1: 1 of 1,586,896 alleles (0.000063%); highest among the groups gnomAD compares: Non-Finnish European, 0.000086%; no homozygotes.

Submission:

Ambry Genetics
Classification: Uncertain significance for Cardiovascular phenotype. Last evaluated: 2024-12-13. Review status: criteria provided, single submitter. Criteria: Ambry Variant Classification Scheme 2023. Collection method: clinical testing. Allele origin: germline.
Comment: The p.A26V variant (also known as c.77C>T), located in coding exon 1 of the SOS1 gene, results from a C to T substitution at nucleotide position 77. The alanine at codon 26 is replaced by valine, an amino acid with similar properties. This amino acid position is well conserved in available vertebrate species. In addition, the in silico prediction for this alteration is inconclusive. Based on the available evidence, the clinical significance of this variant remains unclear.

NM_005633.4(SOS1):c.77C>T (p.Ala26Val)

Genes: SOS1 (SOS Ras/Rac guanine nucleotide exchange factor 1; minus strand), LOC129933535 (ATAC-STARR-seq lymphoblastoid silent region 11384; plus strand). Cytogenetic location: 2p22.1.
Variant type: single nucleotide variant.
Coding change: c.77C>T on transcript NM_005633.4 (MANE Select); coding-DNA position 77, C replaced by T.
Protein change: p.Ala26Val; replaces alanine 26 with valine.
Molecular consequence: missense variant. On other transcripts: intron variant (1).
Genome position (GRCh38, 1-based): chr2:39,120,346, G>A on the plus strand (C>T on the coding strand, the complement: SOS1 is on the minus strand). VCF-style: chr2-39120346-G-A. GRCh37 (hg19) VCF-style: chr2-39347487-G-A.
Other names: c.77C>T, p.Ala26Val (NM_001382395.1); c.66+4318C>T (NM_001382394.1); short protein forms A26V.
Identifiers: ClinVar variation 3799899 (VCV003799899.1).